The following is an entry in ClinVar:

ClinVar aggregate classification (germline): Uncertain significance (1 of 4 stars; one submission).

Allele frequency attached by ClinVar (database versions not stated): gnomAD exomes below 0.00001.
gnomAD v4.1: 1 of 1,271,664 alleles (0.000079%); highest among the groups gnomAD compares: South Asian, 0.0025%; no homozygotes.

Submission:

Labcorp Genetics (formerly Invitae), Labcorp
Classification: Uncertain significance. Last evaluated: 2022-07-29. Review status: criteria provided, single submitter. Criteria: Invitae Variant Classification Sherloc (09022015). Collection method: clinical testing. Allele origin: germline.
Comment: This sequence change replaces proline, which is neutral and non-polar, with serine, which is neutral and polar, at codon 25 of the CTDP1 protein (p.Pro25Ser). The frequency data for this variant in the population databases is considered unreliable, as metrics indicate poor data quality at this position in the gnomAD database. This variant has not been reported in the literature in individuals affected with CTDP1-related conditions. Algorithms developed to predict the effect of missense changes on protein structure and function (SIFT, PolyPhen-2, Align-GVGD) all suggest that this variant is likely to be tolerated. In summary, the available evidence is currently insufficient to determine the role of this variant in disease. Therefore, it has been classified as a Variant of Uncertain Significance.

NM_004715.5(CTDP1):c.73C>T (p.Pro25Ser)

Gene: CTDP1 (CTD phosphatase subunit 1; plus strand). Cytogenetic location: 18q23.
Variant type: single nucleotide variant.
Coding change: c.73C>T on transcript NM_004715.5 (MANE Select); coding-DNA position 73, C replaced by T.
Protein change: p.Pro25Ser; replaces proline 25 with serine.
Molecular consequence: missense variant.
Genome position (GRCh38, 1-based): chr18:79,680,020, C>T. VCF-style: chr18-79680020-C-T. GRCh37 (hg19) VCF-style: chr18-77440020-C-T.
Other names: c.73C>T, p.Pro25Ser (NM_001318511.2, NM_048368.4); short protein forms P25S.
Identifiers: ClinVar variation 2003770 (VCV002003770.1), dbSNP rs1024205760, ClinGen allele CA402824903.